The following is an entry in ClinVar:

ClinVar aggregate classification (germline): Uncertain significance. Review status: criteria provided, multiple submitters, no conflicts (2 of 4 stars). 2 submissions from 2 submitters: Uncertain significance (2). Last evaluated 2024-04-12.

Conditions:
Retinitis pigmentosa 80 (RP80). Identifiers: MedGen C4540439, MONDO:0054708, OMIM 617781.
Saldino-Mainzer syndrome (SRTD9). Also called: short-rib thoracic dysplasia 9 with or without polydactyly; CONORENAL SYNDROME; Renal dysplasia, retinal pigmentary dystrophy, cerebellar ataxia and skeletal dysplasia; SHORT-RIB THORACIC DYSPLASIA 9 WITHOUT POLYDACTYLY. Identifiers: Orphanet 140969, MedGen C1849437, MONDO:0009964, OMIM 266920.

Submissions (2):

Fulgent Genetics
Classification: Uncertain significance for Saldino-Mainzer syndrome; Retinitis pigmentosa 80. Last evaluated: 2024-04-12. Review status: criteria provided, single submitter. Criteria: ACMG Guidelines, 2015. Collection method: clinical testing. Allele origin: germline.

Labcorp Genetics (formerly Invitae), Labcorp
Classification: Uncertain significance for Saldino-Mainzer syndrome. Last evaluated: 2022-04-16. Review status: criteria provided, single submitter. Criteria: Invitae Variant Classification Sherloc (09022015). Collection method: clinical testing. Allele origin: germline.
Comment: In summary, the available evidence is currently insufficient to determine the role of this variant in disease. Therefore, it has been classified as a Variant of Uncertain Significance. Algorithms developed to predict the effect of missense changes on protein structure and function output the following: SIFT: "Tolerated"; PolyPhen-2: "Benign"; Align-GVGD: "Class C0". The asparagine amino acid residue is found in multiple mammalian species, which suggests that this missense change does not adversely affect protein function. This variant has not been reported in the literature in individuals affected with IFT140-related conditions. This variant is not present in population databases (gnomAD no frequency). This sequence change replaces aspartic acid, which is acidic and polar, with asparagine, which is neutral and polar, at codon 620 of the IFT140 protein (p.Asp620Asn).

NM_014714.4(IFT140):c.1858G>A (p.Asp620Asn)

Gene: IFT140 (intraflagellar transport 140; minus strand). Cytogenetic location: 16p13.3.
Variant type: single nucleotide variant.
Coding change: c.1858G>A on transcript NM_014714.4 (MANE Select); coding-DNA position 1858, G replaced by A.
Protein change: p.Asp620Asn; replaces aspartic acid 620 with asparagine.
Molecular consequence: missense variant.
Genome position (GRCh38, 1-based): chr16:1,566,204, C>T on the plus strand (G>A on the coding strand, the complement: IFT140 is on the minus strand). VCF-style: chr16-1566204-C-T. GRCh37 (hg19) VCF-style: chr16-1616205-C-T.
Other names: short protein forms D620N.
Identifiers: ClinVar variation 2126642 (VCV002126642.5), dbSNP rs2507309461, ClinGen allele CA394205951.